The following is an entry in ClinVar:

ClinVar aggregate classification (germline): Uncertain significance (1 of 4 stars; one submission).

gnomAD v4.1: 4 of 1,576,666 alleles (0.00025%); highest among the groups gnomAD compares: Non-Finnish European, 0.00035%; no homozygotes.

Submission:

Labcorp Genetics (formerly Invitae), Labcorp
Classification: Uncertain significance. Last evaluated: 2024-02-06. Review status: criteria provided, single submitter. Criteria: Invitae Variant Classification Sherloc (09022015). Collection method: clinical testing. Allele origin: germline.
Comment: This sequence change replaces lysine, which is basic and polar, with arginine, which is basic and polar, at codon 398 of the ANGPT1 protein (p.Lys398Arg). This variant is not present in population databases (gnomAD no frequency). This variant has not been reported in the literature in individuals affected with ANGPT1-related conditions. An algorithm developed to predict the effect of missense changes on protein structure and function (PolyPhen-2) suggests that this variant is likely to be disruptive. In summary, the available evidence is currently insufficient to determine the role of this variant in disease. Therefore, it has been classified as a Variant of Uncertain Significance.

NM_001146.5(ANGPT1):c.1193A>G (p.Lys398Arg)

Gene: ANGPT1 (angiopoietin 1; minus strand). Cytogenetic location: 8q23.1.
Variant type: single nucleotide variant.
Coding change: c.1193A>G on transcript NM_001146.5 (MANE Select); coding-DNA position 1193, A replaced by G.
Protein change: p.Lys398Arg; replaces lysine 398 with arginine.
Molecular consequence: missense variant.
Genome position (GRCh38, 1-based): chr8:107,284,694, T>C on the plus strand (A>G on the coding strand, the complement: ANGPT1 is on the minus strand). VCF-style: chr8-107284694-T-C. GRCh37 (hg19) VCF-style: chr8-108296922-T-C.
Other names: c.1190A>G, p.Lys397Arg (NM_001199859.3); c.593A>G, p.Lys198Arg (NM_001314051.2); short protein forms K397R, K198R, K398R.
Identifiers: ClinVar variation 3669282 (VCV003669282.2).
Genomic context (GRCh38, chr8:107,284,694, plus strand): 5'-AGTGGCTAGGTAAAAGGTAGTCGAACACTACACTGTAGCATGACTTACCTATAGTTTTGC[T>C]TTTCATTTCCTATGTGGAATCTGTCATACTGTGAATAGGCTCGGTTCCCTTCCCAGTCCA-3'
Protein context (NP_001137.2, residues 388-408): QYDRFHIGNE[Lys398Arg]QNYRLYLKGH